The following is an entry in ClinVar:

NM_001277115.2(DNAH11):c.9706C>T (p.Arg3236Ter)

Gene: DNAH11 (dynein axonemal heavy chain 11; plus strand). Cytogenetic location: 7p15.3.
Variant type: single nucleotide variant.
Coding change: c.9706C>T on transcript NM_001277115.2 (MANE Select); coding-DNA position 9706, C replaced by T.
Protein change: p.Arg3236Ter; replaces arginine 3236 with a stop codon.
Molecular consequence: nonsense.
Genome position (GRCh38, 1-based): chr7:21,786,732, C>T. VCF-style: chr7-21786732-C-T. GRCh37 (hg19) VCF-style: chr7-21826350-C-T.
Other names: NM_001277115.2(DNAH11):c.9706C>T; p.Arg3236Ter; short protein forms R3236*.
Identifiers: ClinVar variation 283798 (VCV000283798.5), dbSNP rs753101269, ClinGen allele CA4182077.

ClinVar aggregate classification (germline): Pathogenic/Likely pathogenic. Review status: criteria provided, multiple submitters, no conflicts (2 of 4 stars). 2 submissions from 2 submitters: Pathogenic (1); Likely pathogenic (1). Last evaluated 2025-02-19.

Conditions:
Primary ciliary dyskinesia 7. Also called: CILIARY DYSKINESIA, PRIMARY, 7, WITH OR WITHOUT SITUS INVERSUS. Identifiers: Orphanet 244, MedGen C2678473, MONDO:0012748, OMIM 611884.

Allele frequency attached by ClinVar (database versions not stated): ExAC 0.00001; gnomAD exomes 0.00001.
gnomAD v4.1: 7 of 1,613,692 alleles (0.00043%); highest among the groups gnomAD compares: East Asian, 0.0045%; no homozygotes.

Submissions (2):

Broad Center for Mendelian Genomics, Broad Institute of MIT and Harvard
Classification: Likely pathogenic for Primary ciliary dyskinesia 7. Last evaluated: 2025-02-19. Review status: criteria provided, single submitter. Criteria: ACMG Guidelines, 2015. Collection method: curation. Allele origin: germline. Inheritance: Autosomal recessive inheritance.
Comment: The p.Arg3236Ter variant in DNAH11 has been reported, in the compound heterozygous state, in 1 individual with primary ciliary dyskinesia (PMID: 32502479), and has been identified in 0.004% (2/44878) of East Asian chromosomes by the Genome Aggregation Database (gnomAD; dbSNP rs753101269). Although this variant has been seen in the general population in a heterozygous state, its frequency is low enough to be consistent with a recessive carrier frequency. This variant has also been reported in ClinVar (Variation ID: 283798) and has been interpreted as pathogenic by Eurofins Ntd Llc. This nonsense variant leads to a premature termination codon at position 3236, which is predicted to lead to a truncated or absent protein. Loss of function of the DNAH11 gene is an established disease mechanism in autosomal recessive primary ciliary dyskinesia. In summary, although additional studies are required to fully establish its clinical significance, this variant is likely pathogenic for autosomal recessive primary ciliary dyskinesia. ACMG/AMP Criteria applied: PVS1, PM2_supporting (Richards 2015).

Eurofins Ntd Llc (ga)
Classification: Pathogenic. Last evaluated: 2015-10-08. Review status: criteria provided, single submitter. Criteria: EGL Classification Definitions 2015. Collection method: clinical testing. Allele origin: germline. Observed: 1 variant allele, 1 heterozygote.